The following is an entry in ClinVar:

ClinVar aggregate classification (germline): Uncertain significance (1 of 4 stars; one submission).

Conditions:
Vici syndrome (VICIS). Identifiers: Orphanet 1493, MedGen C1855772, MONDO:0009452, OMIM 242840.

Allele frequency attached by ClinVar (database versions not stated): gnomAD 0.00001; gnomAD exomes 0.00004; TOPMed 0.00004; ExAC 0.00006.
gnomAD v4.1: 16 of 1,594,334 alleles (0.001%); highest among the groups gnomAD compares: Admixed American, 0.028%; no homozygotes.

Submission:

Labcorp Genetics (formerly Invitae), Labcorp
Classification: Uncertain significance for Vici syndrome. Last evaluated: 2022-10-24. Review status: criteria provided, single submitter. Criteria: Invitae Variant Classification Sherloc (09022015). Collection method: clinical testing. Allele origin: germline.
Comment: This sequence change replaces valine, which is neutral and non-polar, with isoleucine, which is neutral and non-polar, at codon 438 of the EPG5 protein (p.Val438Ile). This variant is present in population databases (rs750946464, gnomAD 0.03%). This variant has not been reported in the literature in individuals affected with EPG5-related conditions. ClinVar contains an entry for this variant (Variation ID: 1507946). Advanced modeling of protein sequence and biophysical properties (such as structural, functional, and spatial information, amino acid conservation, physicochemical variation, residue mobility, and thermodynamic stability) performed at Invitae indicates that this missense variant is not expected to disrupt EPG5 protein function. In summary, the available evidence is currently insufficient to determine the role of this variant in disease. Therefore, it has been classified as a Variant of Uncertain Significance.

NM_020964.3(EPG5):c.1312G>A (p.Val438Ile)

Genes: EPG5 (ectopic P-granules 5 autophagy tethering factor; minus strand), LOC126862737 (P300/CBP strongly-dependent group 1 enhancer GRCh37_chr18:43530707-43531906; plus strand). Cytogenetic location: 18q21.1.
Variant type: single nucleotide variant.
Coding change: c.1312G>A on transcript NM_020964.3 (MANE Select); coding-DNA position 1312, G replaced by A.
Protein change: p.Val438Ile; replaces valine 438 with isoleucine.
Molecular consequence: missense variant.
Genome position (GRCh38, 1-based): chr18:45,951,179, C>T on the plus strand (G>A on the coding strand, the complement: EPG5 is on the minus strand). VCF-style: chr18-45951179-C-T. GRCh37 (hg19) VCF-style: chr18-43531145-C-T.
Other names: short protein forms V438I.
Identifiers: ClinVar variation 1507946 (VCV001507946.6), dbSNP rs750946464, ClinGen allele CA8949760.